The following is an entry in ClinVar:

NM_000133.4(F9):c.-19C>G

Gene: F9 (coagulation factor IX; plus strand). Cytogenetic location: Xq27.1.
Variant type: single nucleotide variant.
Coding change: c.-19C>G on transcript NM_000133.4 (MANE Select); 19 bases upstream of the start codon, C replaced by G.
Molecular consequence: 5 prime UTR variant.
Genome position (GRCh38, 1-based): chrX:139,530,746, C>G. VCF-style: chrX-139530746-C-G. GRCh37 (hg19) VCF-style: chrX-138612905-C-G.
Other names: c.-19C>G (NM_001313913.2).
Identifiers: ClinVar variation 1490905 (VCV001490905.8), dbSNP rs761036720, ClinGen allele CA2461402136.

ClinVar aggregate classification (germline): Uncertain significance (1 of 4 stars; one submission).

Conditions:
Hereditary factor IX deficiency disease (HEMB). Also called: Hemophilia B; Christmas Disease; F9 DEFICIENCY; FACTOR IX DEFICIENCY; PLASMA THROMBOPLASTIN COMPONENT DEFICIENCY. Identifiers: Orphanet 98879, MedGen C0008533, MeSH D002836, MONDO:0010604, OMIM 306900.
Thrombophilia, X-linked, due to factor 9 defect. Identifiers: MedGen C2749016, MONDO:0010432, OMIM 300807.

Submission:

Labcorp Genetics (formerly Invitae), Labcorp
Classification: Uncertain significance for Thrombophilia, X-linked, due to factor 9 defect; Hereditary factor IX deficiency disease. Last evaluated: 2021-07-31. Review status: criteria provided, single submitter. Criteria: Invitae Variant Classification Sherloc (09022015). Collection method: clinical testing. Allele origin: germline.
Comment: Algorithms developed to predict the effect of sequence changes on RNA splicing suggest that this variant may create or strengthen a splice site, but this prediction has not been confirmed by published transcriptional studies. In summary, the available evidence is currently insufficient to determine the role of this variant in disease. Therefore, it has been classified as a Variant of Uncertain Significance. This variant has been observed in individual(s) with clinical features of hemophilia B (PMID: 23913812, Invitae). This variant is not present in population databases (ExAC no frequency). This variant occurs in a non-coding region of the F9 gene. It does not change the encoded amino acid sequence of the F9 protein.

Literature cited by the submitters: PubMed 23913812.